The following is an entry in ClinVar:

NM_133510.4(RAD51B):c.775A>G (p.Ile259Val)

Gene: RAD51B (RAD51 paralog B; plus strand). Cytogenetic location: 14q24.1.
Variant type: single nucleotide variant.
Coding change: c.775A>G on transcript NM_133510.4 (MANE Select); coding-DNA position 775, A replaced by G.
Protein change: p.Ile259Val; replaces isoleucine 259 with valine.
Molecular consequence: missense variant.
Genome position (GRCh38, 1-based): chr14:68,291,902, A>G. VCF-style: chr14-68291902-A-G. GRCh37 (hg19) VCF-style: chr14-68758619-A-G.
Other names: c.775A>G, p.Ile259Val (NM_001321809.2, NM_001321810.2, NM_001321812.1 and 6 more transcripts); c.661A>G, p.Ile221Val (NM_001321815.1); c.418A>G, p.Ile140Val (NM_001321817.2); short protein forms I221V, I140V, I259V.
Identifiers: ClinVar variation 3786416 (VCV003786416.1).

ClinVar aggregate classification (germline): Uncertain significance (1 of 4 stars; one submission).

gnomAD v4.1: 11 of 1,613,632 alleles (0.00068%); highest among the groups gnomAD compares: African/African-American, 0.0093%; no homozygotes.

Submission:

Ambry Genetics
Classification: Uncertain significance. Last evaluated: 2025-01-13. Review status: criteria provided, single submitter. Criteria: Ambry Variant Classification Scheme 2023. Collection method: clinical testing. Allele origin: germline.
Comment: The p.I259V variant (also known as c.775A>G), located in coding exon 7 of the RAD51B gene, results from an A to G substitution at nucleotide position 775. The isoleucine at codon 259 is replaced by valine, an amino acid with highly similar properties. This amino acid position is conserved. In addition, this alteration is predicted to be tolerated by in silico analysis. Based on the available evidence, the clinical significance of this variant remains unclear.